The following is an entry in ClinVar:

ClinVar aggregate classification (germline): Likely pathogenic. Review status: criteria provided, multiple submitters, no conflicts (2 of 4 stars). 2 submissions from 2 submitters: Likely pathogenic (2). Last evaluated 2024-11-25.

Conditions:
Cardiovascular phenotype. Identifiers: MedGen CN230736.
Dilated cardiomyopathy 1G (CMD1G). Identifiers: Orphanet 154, MedGen C1858763, MONDO:0011400, OMIM 604145.
Autosomal recessive limb-girdle muscular dystrophy type 2J (LGMDR10). Also called: MUSCULAR DYSTROPHY, LIMB-GIRDLE, AUTOSOMAL RECESSIVE 10; Limb-girdle muscular dystrophy, type 2J. Identifiers: Orphanet 140922, MedGen C1837342, MONDO:0012127, OMIM 608807.

Submissions (2):

Labcorp Genetics (formerly Invitae), Labcorp
Classification: Likely pathogenic for Dilated cardiomyopathy 1G; Autosomal recessive limb-girdle muscular dystrophy type 2J. Last evaluated: 2024-11-25. Review status: criteria provided, single submitter. Criteria: Invitae Variant Classification Sherloc (09022015). Collection method: clinical testing. Allele origin: germline.
Comment: This sequence change creates a premature translational stop signal (p.Trp28273Cysfs*28) in the TTN gene. While this is not anticipated to result in nonsense mediated decay, it is expected to create a truncated TTN protein. This variant is not present in population databases (gnomAD no frequency). This premature translational stop signal has been observed in individual(s) with dilated cardiomyopathy (internal data). ClinVar contains an entry for this variant (Variation ID: 1506649). This variant is located in the A band of TTN (PMID: 25589632). Truncating variants in this region are significantly overrepresented in patients affected with dilated cardiomyopathy (PMID: 25589632). Truncating variants in this region have also been reported in individuals affected with autosomal recessive centronuclear myopathy (PMID: 23975875). In summary, the currently available evidence indicates that the variant is pathogenic, but additional data are needed to prove that conclusively. Therefore, this variant has been classified as Likely Pathogenic.

Ambry Genetics
Classification: Likely pathogenic for Cardiovascular phenotype. Last evaluated: 2024-09-25. Review status: criteria provided, single submitter. Criteria: Ambry Variant Classification Scheme 2023. Collection method: clinical testing. Allele origin: germline.
Comment: The c.57624delG variant, located in coding exon 153 of the TTN gene, results from a deletion of one nucleotide at nucleotide position 57624, causing a translational frameshift with a predicted alternate stop codon (p.W19208Cfs*28). This exon is located in the A-band region of the N2-B isoform of the titin protein and is constitutively expressed in TTN transcripts (percent spliced in or PSI 100%). This alteration is expected to result in loss of function by premature protein truncation or nonsense-mediated mRNA decay. While truncating variants in TTN are present in 1-3% of the general population, truncating variants in the A-band are the most common cause of dilated cardiomyopathy (DCM) (Herman DS et al. N. Engl. J. Med., 2012 Feb;366:619-28; Roberts AM et al. Sci Transl Med, 2015 Jan;7:270ra6). TTN truncating variants encoded in constitutive exons (PSI >90%) have been found to be significantly associated with DCM regardless of their position in titin (Schafer S et al. Nat. Genet., 2017 01;49:46-53). This variant is considered to be rare based on population cohorts in the Genome Aggregation Database (gnomAD). As such, this alteration is classified as likely pathogenic.

Literature cited by the submitters: PubMed 25589632 (cited by Labcorp Genetics (formerly Invitae), Labcorp); PubMed 23975875 (cited by Labcorp Genetics (formerly Invitae), Labcorp).

NM_001267550.2(TTN):c.84819del (p.Trp28273fs)

Genes: TTN (titin; minus strand), TTN-AS1 (TTN antisense RNA 1; plus strand). Cytogenetic location: 2q31.2.
Variant type: Deletion.
Coding change: c.84819del on transcript NM_001267550.2 (MANE Select); coding-DNA position 84819, one base deleted (G; older notation c.84819delG).
Protein change: p.Trp28273fs; shifts the reading frame from tryptophan 28273.
Molecular consequence: frameshift variant.
Genome position (GRCh38, 1-based): chr2:178,561,313, C deleted on the plus strand (G on the coding strand, the reverse complement: TTN is on the minus strand); the first of 2 consecutive C bases (chr2:178,561,313-178,561,314); deleting either gives the same sequence. VCF-style (leftmost placement, unchanged base first): chr2-178561312-AC-A. GRCh37 (hg19) VCF-style: chr2-179426039-AC-A.
Other names: c.79896del, p.Trp26632fs (NM_001256850.1); c.57624del, p.Trp19208fs (NM_003319.4); c.77115del, p.Trp25705fs (NM_133378.4); c.57999del, p.Trp19333fs (NM_133432.3); c.58200del, p.Trp19400fs (NM_133437.4); c.57624delG (NM_003319.4); short protein forms W25705fs, W19400fs, W28273fs, W19208fs, W19333fs, W26632fs.
Identifiers: ClinVar variation 1506649 (VCV001506649.9), dbSNP rs2154159514, ClinGen allele CA2573134130.